The following is an entry in ClinVar:

ClinVar aggregate classification (germline): Uncertain significance (1 of 4 stars; one submission).

Conditions:
SIX5-related disorder. Also called: SIX5-related condition.

Submission:

PreventionGenetics, part of Exact Sciences
Classification: Uncertain significance for SIX5-related condition. Last evaluated: 2025-09-17. Review status: criteria provided, single submitter. Criteria: ACMG Guidelines, 2015. Collection method: clinical testing. Allele origin: germline.
Comment: The SIX5 c.1907_1909delTCT variant is predicted to result in an in-frame deletion (p.Phe636del). To our knowledge, this variant has not been reported in the literature. This variant is reported in 0.0098% of alleles in individuals of Ashkenazi Jewish descent in gnomAD. At this time, the clinical significance of this variant is uncertain due to the absence of conclusive functional and genetic evidence.

NM_175875.5(SIX5):c.1907_1909del (p.Phe636del)

Gene: SIX5 (SIX homeobox 5; minus strand). Cytogenetic location: 19q13.32.
Variant type: Deletion.
Coding change: c.1907_1909del on transcript NM_175875.5 (MANE Select); coding-DNA positions 1907 to 1909, 3 bases deleted (TCT; older notation c.1907_1909delTCT).
Protein change: p.Phe636del; deletes phenylalanine 636.
Molecular consequence: inframe deletion.
Genome position (GRCh38, 1-based): chr19:45,765,812-45,765,814, AGA deleted on the plus strand (TCT on the coding strand, the reverse complement: SIX5 is on the minus strand); deleting any 3 consecutive bases within chr19:45,765,812-45,765,816 gives the same sequence; the c. name uses the placement nearest the transcript's 3' end. VCF-style (leftmost placement, unchanged base first): chr19-45765811-GAGA-G. GRCh37 (hg19) VCF-style: chr19-46269069-GAGA-G.
Other names: short protein forms F636del.
Identifiers: ClinVar variation 4984976 (VCV004984976.1).